The following is an entry in ClinVar:

ClinVar aggregate classification (germline): Uncertain significance (1 of 4 stars; one submission).

Conditions:
Carnitine palmitoyl transferase 1A deficiency. Also called: CPT I DEFICIENCY; CPT DEFICIENCY, HEPATIC, TYPE I; Carnitine palmitoyltransferase 1A deficiency; Carnitine palmitoyltransferase type I deficiency; CPT deficiency, hepatic, type IA. Identifiers: Orphanet 156, MedGen C1829703, MONDO:0009705, OMIM 255120.

Allele frequency attached by ClinVar (database versions not stated): ExAC 0.00001; TOPMed 0.00001.
gnomAD v4.1: 10 of 1,613,964 alleles (0.00062%); highest among the groups gnomAD compares: South Asian, 0.0011%; no homozygotes.

Submission:

Labcorp Genetics (formerly Invitae), Labcorp
Classification: Uncertain significance for Carnitine palmitoyl transferase 1A deficiency. Last evaluated: 2022-01-19. Review status: criteria provided, single submitter. Criteria: Invitae Variant Classification Sherloc (09022015). Collection method: clinical testing. Allele origin: germline.
Comment: This sequence change replaces arginine, which is basic and polar, with histidine, which is basic and polar, at codon 563 of the CPT1A protein (p.Arg563His). This variant is present in population databases (rs773729150, gnomAD 0.003%). This variant has not been reported in the literature in individuals affected with CPT1A-related conditions. Algorithms developed to predict the effect of missense changes on protein structure and function (SIFT, PolyPhen-2, Align-GVGD) all suggest that this variant is likely to be tolerated. In summary, the available evidence is currently insufficient to determine the role of this variant in disease. Therefore, it has been classified as a Variant of Uncertain Significance.

NM_001876.4(CPT1A):c.1688G>A (p.Arg563His)

Gene: CPT1A (carnitine palmitoyltransferase 1A; minus strand). Cytogenetic location: 11q13.3.
Variant type: single nucleotide variant.
Coding change: c.1688G>A on transcript NM_001876.4 (MANE Select); coding-DNA position 1688, G replaced by A.
Protein change: p.Arg563His; replaces arginine 563 with histidine.
Molecular consequence: missense variant.
Genome position (GRCh38, 1-based): chr11:68,773,317, C>T on the plus strand (G>A on the coding strand, the complement: CPT1A is on the minus strand). VCF-style: chr11-68773317-C-T. GRCh37 (hg19) VCF-style: chr11-68540785-C-T.
Other names: c.1688G>A, p.Arg563His (NM_001031847.3); short protein forms R563H.
Identifiers: ClinVar variation 2162263 (VCV002162263.1), dbSNP rs773729150, ClinGen allele CA6152240.
Genomic context (GRCh38, chr11:68,773,317, plus strand): 5'-GTTCTTACCTTGTAGTGCGCCAGCTGGAGGGCCAGCTGCACAAAGGCGTCTGGGCTCGTG[C>T]GACATTTCTTGATGATTCCTTTACCAAAGGCTACGAATGGGAAGGAATGGAAATCCACGT-3'
Protein context (NP_001867.2, residues 553-573): AFGKGIIKKC[Arg563His]TSPDAFVQLA